The following is an entry in ClinVar:

NM_001369.3(DNAH5):c.7515G>C (p.Glu2505Asp)

Gene: DNAH5 (dynein axonemal heavy chain 5; minus strand). Cytogenetic location: 5p15.2.
Variant type: single nucleotide variant.
Coding change: c.7515G>C on transcript NM_001369.3 (MANE Select); coding-DNA position 7515, G replaced by C.
Protein change: p.Glu2505Asp; replaces glutamic acid 2505 with aspartic acid.
Molecular consequence: missense variant.
Genome position (GRCh38, 1-based): chr5:13,810,153, C>G on the plus strand (G>C on the coding strand, the complement: DNAH5 is on the minus strand). VCF-style: chr5-13810153-C-G. GRCh37 (hg19) VCF-style: chr5-13810262-C-G.
Other names: short protein forms E2505D.
Identifiers: ClinVar variation 1759297 (VCV001759297.2), dbSNP rs1032671138, ClinGen allele CA359231934.

ClinVar aggregate classification (germline): Uncertain significance (1 of 4 stars; one submission).

Conditions:
Primary ciliary dyskinesia. Also called: Ciliary dyskinesia. Identifiers: Orphanet 244, MedGen C0008780, MONDO:0016575, HP:0012265.

Submission:

Ambry Genetics
Classification: Uncertain significance for Primary ciliary dyskinesia. Last evaluated: 2017-06-20. Review status: criteria provided, single submitter. Criteria: Ambry Variant Classification Scheme 2023. Collection method: clinical testing. Allele origin: germline.
Comment: The p.E2505D variant (also known as c.7515G>C), located in coding exon 45 of the DNAH5 gene, results from a G to C substitution at nucleotide position 7515. The glutamic acid at codon 2505 is replaced by aspartic acid, an amino acid with highly similar properties. This amino acid position is well conserved in available vertebrate species. In addition, this alteration is predicted to be tolerated by in silico analysis. Since supporting evidence is limited at this time, the clinical significance of this alteration remains unclear.